The following is an entry in ClinVar:

ClinVar aggregate classification (germline): Uncertain significance (1 of 4 stars; one submission).

Conditions:
POLD1-related polyposis and colorectal cancer syndrome (CRCS10). Also called: Colorectal cancer 10; Colorectal cancer, susceptibility to, 10; COLORECTAL CANCER, SUSCEPTIBILITY TO, ON CHROMOSOME 19q. Identifiers: Orphanet 220460, MedGen C2675481, MONDO:0012953, OMIM 612591.

Submission:

Labcorp Genetics (formerly Invitae), Labcorp
Classification: Uncertain significance for POLD1-related polyposis and colorectal cancer syndrome. Last evaluated: 2023-12-24. Review status: criteria provided, single submitter. Criteria: Invitae Variant Classification Sherloc (09022015). Collection method: clinical testing. Allele origin: germline.
Comment: This sequence change falls in intron 20 of the POLD1 gene. It does not directly change the encoded amino acid sequence of the POLD1 protein. It affects a nucleotide within the consensus splice site. This variant is not present in population databases (gnomAD no frequency). This variant has not been reported in the literature in individuals affected with POLD1-related conditions. Variants that disrupt the consensus splice site are a relatively common cause of aberrant splicing (PMID: 17576681, 9536098). Algorithms developed to predict the effect of sequence changes on RNA splicing suggest that this variant is not likely to affect RNA splicing. In summary, the available evidence is currently insufficient to determine the role of this variant in disease. Therefore, it has been classified as a Variant of Uncertain Significance.

Literature cited by the submitters: PubMed 17576681; PubMed 9536098.

NM_002691.4(POLD1):c.2565-3C>T

Gene: POLD1 (DNA polymerase delta 1, catalytic subunit; plus strand). Cytogenetic location: 19q13.33.
Variant type: single nucleotide variant.
Coding change: c.2565-3C>T on transcript NM_002691.4 (MANE Select); 3 bases into the intron before coding-DNA position 2565, C replaced by T.
Molecular consequence: intron variant.
Genome position (GRCh38, 1-based): chr19:50,415,435, C>T. VCF-style: chr19-50415435-C-T. GRCh37 (hg19) VCF-style: chr19-50918692-C-T.
Other names: c.2565-3C>T (NM_001256849.1); c.2643-3C>T (NM_001308632.1).
Identifiers: ClinVar variation 2705195 (VCV002705195.3), dbSNP rs772419397, ClinGen allele CA2697552013.